The following is an entry in ClinVar:

ClinVar aggregate classification (germline): Likely benign. Review status: criteria provided, multiple submitters, no conflicts (2 of 4 stars). 3 submissions from 3 submitters: Likely benign (3). Last evaluated 2026-02-01.

Conditions:
Cardiovascular phenotype. Identifiers: MedGen CN230736.
Cholestanol storage disease (CTX). Also called: Cerebrotendinous Xanthomatosis; CTX: Cerebrotendinous xanthomatosis; CEREBRAL CHOLESTERINOSIS. Identifiers: Orphanet 909, MedGen C0238052, MONDO:0008948, OMIM 213700.

Allele frequency attached by ClinVar (database versions not stated): TOPMed below 0.00001; gnomAD exomes 0.00001.
gnomAD v4.1: 22 of 1,614,162 alleles (0.0014%); highest among the groups gnomAD compares: Middle Eastern, 0.016%; no homozygotes.

Submissions (3):

CeGaT Center for Human Genetics Tuebingen
Classification: Likely benign. Last evaluated: 2026-02-01. Review status: criteria provided, single submitter. Criteria: CeGaT Center For Human Genetics Tuebingen Variant Classification Criteria Version 2. Collection method: clinical testing. Allele origin: germline. Affected: yes. Observed: 1 variant allele.
Comment: CYP27A1: BP4, BP7

Ambry Genetics
Classification: Likely benign for Cardiovascular phenotype. Last evaluated: 2025-02-10. Review status: criteria provided, single submitter. Criteria: Ambry Variant Classification Scheme 2023. Collection method: clinical testing. Allele origin: germline.

Labcorp Genetics (formerly Invitae), Labcorp
Classification: Likely benign for Cholestanol storage disease. Last evaluated: 2024-03-14. Review status: criteria provided, single submitter. Criteria: Invitae Variant Classification Sherloc (09022015). Collection method: clinical testing. Allele origin: germline.

NM_000784.4(CYP27A1):c.1375A>C (p.Arg459=)

Gene: CYP27A1 (cytochrome P450 family 27 subfamily A member 1; plus strand). Cytogenetic location: 2q35.
Variant type: single nucleotide variant.
Coding change: c.1375A>C on transcript NM_000784.4 (MANE Select); coding-DNA position 1375, A replaced by C.
Protein change: p.Arg459=; no amino-acid change (arginine 459 retained).
Molecular consequence: synonymous variant.
Genome position (GRCh38, 1-based): chr2:218,814,656, A>C. VCF-style: chr2-218814656-A-C. GRCh37 (hg19) VCF-style: chr2-219679379-A-C.
Other names: c.1375A>C (NM_000784.3).
Identifiers: ClinVar variation 1548090 (VCV001548090.13), dbSNP rs755008787, ClinGen allele CA2112882.